The following is an entry in ClinVar:

ClinVar aggregate classification (germline): Pathogenic. Review status: criteria provided, multiple submitters, no conflicts (2 of 4 stars). 2 submissions from 2 submitters: Pathogenic (2). Last evaluated 2026-07-16.

Conditions:
Hereditary cancer-predisposing syndrome. Also called: Hereditary Cancer Syndrome; Neoplastic Syndromes, Hereditary; Hereditary neoplastic syndrome; Tumor predisposition. Identifiers: Orphanet 140162, MedGen C0027672, MeSH D009386, MONDO:0015356.

Submissions (2):

Ambry Genetics
Classification: Pathogenic for Hereditary cancer-predisposing syndrome. Last evaluated: 2026-07-16. Review status: criteria provided, single submitter. Criteria: Ambry Variant Classification Scheme 2023. Collection method: clinical testing. Allele origin: germline.
Comment: The c.293_296delAAAA pathogenic mutation, located in coding exon 2 of the MSH3 gene, results from a deletion of 4 nucleotides at nucleotide positions 293 to 296, causing a translational frameshift with a predicted alternate stop codon (p.K98Rfs*3). This variant is considered to be rare based on population cohorts in the Genome Aggregation Database (gnomAD). This alteration is expected to result in loss of function by premature protein truncation or nonsense-mediated mRNA decay. As such, this alteration is interpreted as a disease-causing mutation.

Labcorp Genetics (formerly Invitae), Labcorp
Classification: Pathogenic. Last evaluated: 2022-11-03. Review status: criteria provided, single submitter. Criteria: Invitae Variant Classification Sherloc (09022015). Collection method: clinical testing. Allele origin: germline.
Comment: For these reasons, this variant has been classified as Pathogenic. ClinVar contains an entry for this variant (Variation ID: 1388550). This variant has not been reported in the literature in individuals affected with MSH3-related conditions. This variant is not present in population databases (gnomAD no frequency). This sequence change creates a premature translational stop signal (p.Lys98Argfs*3) in the MSH3 gene. It is expected to result in an absent or disrupted protein product. Loss-of-function variants in MSH3 are known to be pathogenic (PMID: 27476653).

Literature cited by the submitters: PubMed 27476653 (cited by Labcorp Genetics (formerly Invitae), Labcorp).

NM_002439.5(MSH3):c.293_296del (p.Lys98fs)

Gene: MSH3 (mutS homolog 3; plus strand). Cytogenetic location: 5q14.1.
Variant type: Deletion.
Coding change: c.293_296del on transcript NM_002439.5 (MANE Select); coding-DNA positions 293 to 296, 4 bases deleted (AAAA; older notation c.293_296delAAAA).
Protein change: p.Lys98fs; shifts the reading frame from lysine 98.
Molecular consequence: frameshift variant.
Genome position (GRCh38, 1-based): chr5:80,656,466-80,656,469, AAAA deleted; deleting any 4 consecutive bases within chr5:80,656,465-80,656,469 gives the same sequence; the c. name uses the placement nearest the transcript's 3' end. VCF-style (leftmost placement, unchanged base first): chr5-80656464-TAAAA-T. GRCh37 (hg19) VCF-style: chr5-79952283-TAAAA-T.
Other names: c.293_296delAAAA (NM_002439.3); short protein forms K98fs.
Identifiers: ClinVar variation 1388550 (VCV001388550.7), dbSNP rs1580540688, ClinGen allele CA2573140048.
Genomic context (GRCh38, chr5:80,656,464, plus strand): 5'-GATATAGGCTACAGAAATTGACAGAAGAAAGAAGAGACCATTGGAAAATGATGGGCCTGT[TAAAA>T]AGAAAGTAAAGAAAGTCCAACAAAAGGAAGGAGGAAGTGATCTGGGAATGTCTGGCAACT-3'